The following is an entry in ClinVar:

ClinVar aggregate classification (germline): Uncertain significance. Review status: criteria provided, multiple submitters, no conflicts (2 of 4 stars). 2 submissions from 2 submitters: Uncertain significance (2). Last evaluated 2025-09-30.

Conditions:
EGFR-related lung cancer (EGFR). Identifiers: MedGen CN130014.
Hereditary cancer-predisposing syndrome. Also called: Tumor predisposition; Hereditary neoplastic syndrome; Neoplastic Syndromes, Hereditary; Hereditary Cancer Syndrome. Identifiers: Orphanet 140162, MedGen C0027672, MeSH D009386, MONDO:0015356.

Allele frequency attached by ClinVar (database versions not stated): TOPMed 0.00002.
gnomAD v4.1: 11 of 1,614,148 alleles (0.00068%); highest among the groups gnomAD compares: African/African-American, 0.012%; no homozygotes.

Submissions (3):

Labcorp Genetics (formerly Invitae), Labcorp
Classification: Uncertain significance for EGFR-related lung cancer. Last evaluated: 2025-09-30. Review status: criteria provided, single submitter. Criteria: Invitae Variant Classification Sherloc (09022015). Collection method: clinical testing. Allele origin: germline.
Comment: This sequence change falls in intron 17 of the EGFR gene. It does not directly change the encoded amino acid sequence of the EGFR protein. It affects a nucleotide within the consensus splice site. This variant is present in population databases (no rsID available, gnomAD 0.02%). This variant has not been reported in the literature in individuals affected with EGFR-related conditions. ClinVar contains an entry for this variant (Variation ID: 862342). Variants that disrupt the consensus splice site are a relatively common cause of aberrant splicing (PMID: 17576681, 9536098). Algorithms developed to predict the effect of sequence changes on RNA splicing suggest that this variant is not likely to affect RNA splicing. In summary, the available evidence is currently insufficient to determine the role of this variant in disease. Therefore, it has been classified as a Variant of Uncertain Significance.

Ambry Genetics
Classification: Uncertain significance for Hereditary cancer-predisposing syndrome. Last evaluated: 2025-05-13. Review status: criteria provided, single submitter. Criteria: Ambry Variant Classification Scheme 2023. Collection method: clinical testing. Allele origin: germline.
Comment: The c.2062-3C>G intronic variant results from a C to G substitution 3 nucleotides upstream from coding exon 18 in the EGFR gene. This nucleotide position is well conserved in available vertebrate species. In silico splice site analysis predicts that this alteration will not have any significant effect on splicing. Based on the available evidence, the clinical significance of this variant remains unclear.

Dr. Peter K. Rogan Lab, Western University
No classification provided (evidence only). Condition: Colon adenocarcinoma. Review status: no classification provided. Collection method: in vitro. Allele origin: not applicable. Functional consequence: retained intron. Not counted in ClinVar's aggregate classification.

Literature cited by the submitters: PubMed 17576681 (cited by Labcorp Genetics (formerly Invitae), Labcorp); PubMed 9536098 (cited by Labcorp Genetics (formerly Invitae), Labcorp).

NM_005228.5(EGFR):c.2062-3C>G

Gene: EGFR (epidermal growth factor receptor; plus strand). Cytogenetic location: 7p11.2.
Variant type: single nucleotide variant.
Coding change: c.2062-3C>G on transcript NM_005228.5 (MANE Select); 3 bases into the intron before coding-DNA position 2062, C replaced by G.
Molecular consequence: intron variant.
Genome position (GRCh38, 1-based): chr7:55,173,918, C>G. VCF-style: chr7-55173918-C-G. GRCh37 (hg19) VCF-style: chr7-55241611-C-G.
Other names: c.1927-3C>G (NM_001346899.2, NM_001346897.2); c.1261-3C>G (NM_001346941.2); c.2062-3C>G (NM_001346898.2); c.1903-3C>G (NM_001346900.2).
Identifiers: ClinVar variation 862342 (VCV000862342.9), dbSNP rs778075962, ClinGen allele CA574335275.